The following is an entry in ClinVar:

NM_021870.3(FGG):c.103T>G (p.Cys35Gly)

Gene: FGG (fibrinogen gamma chain; minus strand). Cytogenetic location: 4q32.1.
Variant type: single nucleotide variant.
Coding change: c.103T>G on transcript NM_021870.3 (MANE Select); coding-DNA position 103, T replaced by G.
Protein change: p.Cys35Gly; replaces cysteine 35 with glycine.
Molecular consequence: missense variant.
Genome position (GRCh38, 1-based): chr4:154,612,411, A>C on the plus strand (T>G on the coding strand, the complement: FGG is on the minus strand). VCF-style: chr4-154612411-A-C. GRCh37 (hg19) VCF-style: chr4-155533563-A-C.
Other names: c.103T>G, p.Cys35Gly (NM_000509.6); short protein forms C35G.
Identifiers: ClinVar variation 4537124 (VCV004537124.1).

ClinVar aggregate classification (germline): Uncertain significance (1 of 4 stars; one submission).

Submission:

Women's Health and Genetics/Laboratory Corporation of America, LabCorp
Classification: Uncertain significance. Last evaluated: 2025-11-03. Review status: criteria provided, single submitter. Criteria: LabCorp Variant Classification Summary - May 2015. Collection method: clinical testing. Allele origin: germline.
Comment: Variant summary: FGG c.103T>G (p.Cys35Gly) results in a non-conservative amino acid change in the encoded protein sequence. Algorithms developed to predict the effect of missense changes on protein structure and function all suggest that this variant is likely to be disruptive. The variant was absent in 250756 control chromosomes. The available data on variant occurrences in the general population are insufficient to allow any conclusion about variant significance. To our knowledge, no occurrence of c.103T>G in individuals affected with FGG-related conditions and no experimental evidence demonstrating its impact on protein function have been reported. No submitters have cited clinical-significance assessments for this variant to ClinVar. Based on the evidence outlined above, the variant was classified as uncertain significance.